The following is an entry in ClinVar:

NM_001042492.3(NF1):c.3423del (p.Arg1142fs)

Gene: NF1 (neurofibromin 1; plus strand). Cytogenetic location: 17q11.2.
Variant type: Deletion.
Coding change: c.3423del on transcript NM_001042492.3 (MANE Select); coding-DNA position 3423, one base deleted (G; older notation c.3423delG).
Protein change: p.Arg1142fs; shifts the reading frame from arginine 1142.
Molecular consequence: frameshift variant.
Genome position (GRCh38, 1-based): chr17:31,232,808, G deleted. VCF-style (leftmost placement, unchanged base first): chr17-31232807-TG-T. GRCh37 (hg19) VCF-style: chr17-29559825-TG-T.
Other names: c.3423delG, p.Arg1142Glyfs (NM_000267.4); short protein forms R1142fs.
Identifiers: ClinVar variation 2697515 (VCV002697515.3), dbSNP rs2508232361, ClinGen allele CA2697559790.

ClinVar aggregate classification (germline): Pathogenic (1 of 4 stars; one submission).

Conditions:
Neurofibromatosis, type 1 (NF1). Also called: Peripheral type neurofibromatosis; VON RECKLINGHAUSEN DISEASE; Neurofibromatosis, type I; NEUROFIBROMATOSIS, TYPE I, SOMATIC. Identifiers: Orphanet 636, MedGen C0027831, MONDO:0018975, OMIM 162200. Disease mechanism: loss of function.

Submission:

Labcorp Genetics (formerly Invitae), Labcorp
Classification: Pathogenic for Neurofibromatosis, type 1. Last evaluated: 2023-06-07. Review status: criteria provided, single submitter. Criteria: Invitae Variant Classification Sherloc (09022015). Collection method: clinical testing. Allele origin: germline.
Comment: For these reasons, this variant has been classified as Pathogenic. This variant has not been reported in the literature in individuals affected with NF1-related conditions. This variant is not present in population databases (gnomAD no frequency). This sequence change creates a premature translational stop signal (p.Arg1142Glyfs*16) in the NF1 gene. It is expected to result in an absent or disrupted protein product. Loss-of-function variants in NF1 are known to be pathogenic (PMID: 10712197, 23913538).

Literature cited by the submitters: PubMed 10712197; PubMed 23913538.